The following is an entry in ClinVar:

NM_173689.7(CRB2):c.99G>A (p.Thr33=)

Gene: CRB2 (crumbs cell polarity complex component 2; plus strand). Cytogenetic location: 9q33.3.
Variant type: single nucleotide variant.
Coding change: c.99G>A on transcript NM_173689.7 (MANE Select); coding-DNA position 99, G replaced by A.
Protein change: p.Thr33=; no amino-acid change (threonine 33 retained).
Molecular consequence: synonymous variant.
Genome position (GRCh38, 1-based): chr9:123,362,869, G>A. VCF-style: chr9-123362869-G-A. GRCh37 (hg19) VCF-style: chr9-126125148-G-A.
Other names: c.99G>A (NM_173689.6).
Identifiers: ClinVar variation 1907930 (VCV001907930.6), dbSNP rs537988083, ClinGen allele CA5231548.
Genomic context (GRCh38, chr9:123,362,869, plus strand): 5'-GAGATTGTCCTTGTAACCTCTGCCCACCCTGCCCAGCCAGTTTCTTCTTTCTACAGGGAC[G>A]GTGCCTTCAGAGCCCCCCAGTGCCTGTGCCTCAGACCCGTGCGCTCCAGGGACCGAGTGC-3'
Protein context (NP_775960.4, residues 23-43): WAPALSLLAG[Thr33=]VPSEPPSACA

ClinVar aggregate classification (germline): Likely benign. Review status: criteria provided, multiple submitters, no conflicts (2 of 4 stars). 2 submissions from 2 submitters: Likely benign (2). Last evaluated 2026-03-11.

Conditions:
CRB2-related disorder. Also called: CRB2-related condition; CRB2-related disorders.

Allele frequency attached by ClinVar (database versions not stated): gnomAD exomes 0.00001; TOPMed 0.00003.
gnomAD v4.1: 22 of 1,577,240 alleles (0.0014%); highest among the groups gnomAD compares: East Asian, 0.0091%; no homozygotes.

Submissions (2):

PreventionGenetics, part of Exact Sciences
Classification: Likely benign for CRB2-related condition. Last evaluated: 2026-03-11. Review status: criteria provided, single submitter. Criteria: ACMG Guidelines, 2015. Collection method: clinical testing. Allele origin: germline.
Comment: This variant is classified as likely benign based on ACMG/AMP sequence variant interpretation guidelines (Richards et al. 2015 PMID: 25741868, with internal and published modifications).

Labcorp Genetics (formerly Invitae), Labcorp
Classification: Likely benign. Last evaluated: 2022-10-17. Review status: criteria provided, single submitter. Criteria: Invitae Variant Classification Sherloc (09022015). Collection method: clinical testing. Allele origin: germline.